The following is an entry in ClinVar:

ClinVar aggregate classification (germline): Uncertain significance (1 of 4 stars; one submission).

Conditions:
Benign neonatal seizures. Also called: Benign familial neonatal epilepsy; Convulsions benign familial neonatal dominant form; Autosomal dominant form of benign neonatal seizures; Benign familial neonatal seizures; Benign neonatal familial convulsions. Identifiers: Orphanet 1949, MedGen C0220669, MONDO:0016027.

Allele frequency attached by ClinVar (database versions not stated): gnomAD exomes 0.00001 and 0.00003; gnomAD 0.00011; TOPMed 0.00021.
gnomAD v4.1: 25 of 1,614,110 alleles (0.0015%); highest among the groups gnomAD compares: Admixed American, 0.04%; no homozygotes.

Submission:

Labcorp Genetics (formerly Invitae), Labcorp
Classification: Uncertain significance for Benign neonatal seizures. Last evaluated: 2021-04-10. Review status: criteria provided, single submitter. Criteria: Invitae Variant Classification Sherloc (09022015). Collection method: clinical testing. Allele origin: germline.
Comment: This variant has not been reported in the literature in individuals with KCNQ3-related disease. This variant is not present in population databases (ExAC no frequency). This sequence change replaces asparagine with aspartic acid at codon 796 of the KCNQ3 protein (p.Asn796Asp). The asparagine residue is highly conserved and there is a small physicochemical difference between asparagine and aspartic acid. In summary, the available evidence is currently insufficient to determine the role of this variant in disease. Therefore, it has been classified as a Variant of Uncertain Significance. Algorithms developed to predict the effect of missense changes on protein structure and function output the following: SIFT: "Tolerated"; PolyPhen-2: "Benign"; Align-GVGD: "Class C0". The aspartic acid amino acid residue is found in multiple mammalian species, suggesting that this missense change does not adversely affect protein function. These predictions have not been confirmed by published functional studies and their clinical significance is uncertain.

NM_004519.4(KCNQ3):c.2386A>G (p.Asn796Asp)

Gene: KCNQ3 (potassium voltage-gated channel subfamily Q member 3; minus strand). Cytogenetic location: 8q24.22.
Variant type: single nucleotide variant.
Coding change: c.2386A>G on transcript NM_004519.4 (MANE Select); coding-DNA position 2386, A replaced by G.
Protein change: p.Asn796Asp; replaces asparagine 796 with aspartic acid.
Molecular consequence: missense variant.
Genome position (GRCh38, 1-based): chr8:132,129,495, T>C on the plus strand (A>G on the coding strand, the complement: KCNQ3 is on the minus strand). VCF-style: chr8-132129495-T-C. GRCh37 (hg19) VCF-style: chr8-133141742-T-C.
Other names: c.2026A>G, p.Asn676Asp (NM_001204824.2); short protein forms N796D, N676D.
Identifiers: ClinVar variation 644399 (VCV000644399.10), dbSNP rs1289523204, ClinGen allele CA372216012.